The following is an entry in ClinVar:

ClinVar aggregate classification (germline): Pathogenic (1 of 4 stars; one submission).

Allele frequency attached by ClinVar (database versions not stated): gnomAD exomes below 0.00001.
gnomAD v4.1: 9 of 1,614,114 alleles (0.00056%); highest among the groups gnomAD compares: Non-Finnish European, 0.00076%; no homozygotes.

Submission:

Labcorp Genetics (formerly Invitae), Labcorp
Classification: Pathogenic. Last evaluated: 2022-06-13. Review status: criteria provided, single submitter. Criteria: Invitae Variant Classification Sherloc (09022015). Collection method: clinical testing. Allele origin: germline.
Comment: For these reasons, this variant has been classified as Pathogenic. This variant is also known as C629T. This premature translational stop signal has been observed in individual(s) with Cockayne syndrome (PMID: 9443879). This variant is present in population databases (no rsID available, gnomAD 0.0009%). This sequence change creates a premature translational stop signal (p.Gln184*) in the ERCC6 gene. It is expected to result in an absent or disrupted protein product. Loss-of-function variants in ERCC6 are known to be pathogenic (PMID: 18628313, 29572252).

Literature cited by the submitters: PubMed 9443879; PubMed 18628313; PubMed 29572252.

NM_000124.4(ERCC6):c.550C>T (p.Gln184Ter)

Gene: ERCC6 (ERCC excision repair 6, chromatin remodeling factor; minus strand). Cytogenetic location: 10q11.23.
Variant type: single nucleotide variant.
Coding change: c.550C>T on transcript NM_000124.4 (MANE Select); coding-DNA position 550, C replaced by T.
Protein change: p.Gln184Ter; replaces glutamine 184 with a stop codon.
Molecular consequence: nonsense.
Genome position (GRCh38, 1-based): chr10:49,528,519, G>A on the plus strand (C>T on the coding strand, the complement: ERCC6 is on the minus strand). VCF-style: chr10-49528519-G-A. GRCh37 (hg19) VCF-style: chr10-50736565-G-A.
Other names: c.550C>T, p.Gln184Ter (NM_001277058.2, NM_001277059.2, NM_001346440.2); short protein forms Q184*.
Identifiers: ClinVar variation 1459151 (VCV001459151.6), dbSNP rs1272962297, ClinGen allele CA376709490.